The following is an entry in ClinVar:

ClinVar aggregate classification (germline): Uncertain significance (1 of 4 stars; one submission).

Submission:

GeneDx
Classification: Uncertain significance. Last evaluated: 2018-05-01. Review status: criteria provided, single submitter. Criteria: GeneDx Variant Classification (06012015). Collection method: clinical testing. Allele origin: germline. Affected: yes.
Comment: The W1675X variant in the COL12A1 gene has not been reported previously as a pathogenic variant nor as a benign variant, to our knowledge. This variant is predicted to cause loss of normal protein function either through protein truncation or nonsense-mediated mRNA decay. The W1675X variant is not observed in large population cohorts (Lek et al., 2016). We interpret W1675X as a variant of uncertain significance.

NM_004370.6(COL12A1):c.5025G>A (p.Trp1675Ter)

Gene: COL12A1 (collagen type XII alpha 1 chain; minus strand). Cytogenetic location: 6q13.
Variant type: single nucleotide variant.
Coding change: c.5025G>A on transcript NM_004370.6 (MANE Select); coding-DNA position 5025, G replaced by A.
Protein change: p.Trp1675Ter; replaces tryptophan 1675 with a stop codon.
Molecular consequence: nonsense.
Genome position (GRCh38, 1-based): chr6:75,138,894, C>T on the plus strand (G>A on the coding strand, the complement: COL12A1 is on the minus strand). VCF-style: chr6-75138894-C-T. GRCh37 (hg19) VCF-style: chr6-75848610-C-T.
Other names: c.1533G>A, p.Trp511Ter (NM_080645.3); short protein forms W1675*, W511*.
Identifiers: ClinVar variation 523898 (VCV000523898.2), dbSNP rs1554181078, ClinGen allele CA364739802.
Genomic context (GRCh38, chr6:75,138,894, plus strand): 5'-TGAGCTTCCAAAAGGTGCCCAAGTTATTCTGTAGAGAGACACATCTGAAGCTCCATGATC[C>T]CAAGTCCCTCTGAAACCCTCTGATGTTACTTCAGTAATCTTTAAGTTTGTTGGGGCTGGC-3'